The following is an entry in ClinVar:

ClinVar aggregate classification (germline): Pathogenic (1 of 4 stars; one submission).

Conditions:
Developmental and epileptic encephalopathy, 9 (DEE9). Also called: EPILEPSY, FEMALE-RESTRICTED, WITH MENTAL RETARDATION; Early infantile epileptic encephalopathy 9; JUBERG-HELLMAN SYNDROME; PCDH19-Related X-Linked Female-Limited Epilepsy with Mental Retardation. Identifiers: Orphanet 101039, Orphanet 2076, MedGen C1848137, MONDO:0010246, OMIM 300088. Disease mechanism: loss of function.

Submission:

Labcorp Genetics (formerly Invitae), Labcorp
Classification: Pathogenic for Developmental and epileptic encephalopathy, 9. Last evaluated: 2022-02-11. Review status: criteria provided, single submitter. Criteria: Invitae Variant Classification Sherloc (09022015). Collection method: clinical testing. Allele origin: germline.
Comment: This variant is not present in population databases (gnomAD no frequency). This sequence change creates a premature translational stop signal (p.Ser3*) in the PCDH19 gene. It is expected to result in an absent or disrupted protein product. Loss-of-function variants in PCDH19 are known to be pathogenic (PMID: 21053371). For these reasons, this variant has been classified as Pathogenic. This variant has not been reported in the literature in individuals affected with PCDH19-related conditions.

Literature cited by the submitters: PubMed 21053371.

NM_001184880.2(PCDH19):c.8C>A (p.Ser3Ter)

Gene: PCDH19 (protocadherin 19; minus strand). Cytogenetic location: Xq22.1.
Variant type: single nucleotide variant.
Coding change: c.8C>A on transcript NM_001184880.2 (MANE Select); coding-DNA position 8, C replaced by A.
Protein change: p.Ser3Ter; replaces serine 3 with a stop codon.
Molecular consequence: nonsense.
Genome position (GRCh38, 1-based): chrX:100,408,590, G>T on the plus strand (C>A on the coding strand, the complement: PCDH19 is on the minus strand). VCF-style: chrX-100408590-G-T. GRCh37 (hg19) VCF-style: chrX-99663588-G-T.
Other names: c.8C>A, p.Ser3Ter (NM_001105243.2, NM_020766.3); short protein forms S3*.
Identifiers: ClinVar variation 2096538 (VCV002096538.4), dbSNP rs2520999960, ClinGen allele CA414011564.